The following is an entry in ClinVar:

ClinVar aggregate classification (germline): Uncertain significance (1 of 4 stars; one submission).

Submission:

Labcorp Genetics (formerly Invitae), Labcorp
Classification: Uncertain significance. Last evaluated: 2023-08-04. Review status: criteria provided, single submitter. Criteria: Invitae Variant Classification Sherloc (09022015). Collection method: clinical testing. Allele origin: germline.
Comment: This sequence change replaces aspartic acid, which is acidic and polar, with alanine, which is neutral and non-polar, at codon 1953 of the NBAS protein (p.Asp1953Ala). In summary, the available evidence is currently insufficient to determine the role of this variant in disease. Therefore, it has been classified as a Variant of Uncertain Significance. Advanced modeling of protein sequence and biophysical properties (such as structural, functional, and spatial information, amino acid conservation, physicochemical variation, residue mobility, and thermodynamic stability) performed at Invitae indicates that this missense variant is not expected to disrupt NBAS protein function. ClinVar contains an entry for this variant (Variation ID: 1995829). This variant has not been reported in the literature in individuals affected with NBAS-related conditions. This variant is not present in population databases (gnomAD no frequency).

NM_015909.4(NBAS):c.5858A>C (p.Asp1953Ala)

Gene: NBAS (NBAS subunit of NRZ tethering complex; minus strand). Cytogenetic location: 2p24.3.
Variant type: single nucleotide variant.
Coding change: c.5858A>C on transcript NM_015909.4 (MANE Select); coding-DNA position 5858, A replaced by C.
Protein change: p.Asp1953Ala; replaces aspartic acid 1953 with alanine.
Molecular consequence: missense variant. On other transcripts: non-coding transcript variant (1).
Genome position (GRCh38, 1-based): chr2:15,238,553, T>G on the plus strand (A>C on the coding strand, the complement: NBAS is on the minus strand). VCF-style: chr2-15238553-T-G. GRCh37 (hg19) VCF-style: chr2-15378677-T-G.
Other names: short protein forms D1953A.
Identifiers: ClinVar variation 1995829 (VCV001995829.4), dbSNP rs529024057, ClinGen allele CA345891489.